The following is an entry in ClinVar:

NM_001379500.1(COL18A1):c.3388_3393del (p.Glu1130_Pro1131del)

Genes: COL18A1 (collagen type XVIII alpha 1 chain; plus strand), SLC19A1 (solute carrier family 19 member 1; minus strand). Cytogenetic location: 21q22.3.
Variant type: Deletion.
Coding change: c.3388_3393del on transcript NM_001379500.1 (MANE Select); coding-DNA positions 3388 to 3393, 6 bases deleted (GAGCCC; older notation c.3388_3393delGAGCCC).
Protein change: p.Glu1130_Pro1131del.
Molecular consequence: inframe deletion.
Genome position (GRCh38, 1-based): chr21:45,509,494-45,509,499, GAGCCC deleted; deleting any 6 consecutive bases within chr21:45,509,490-45,509,499 gives the same sequence; the c. name uses the placement nearest the transcript's 3' end. VCF-style (leftmost placement, unchanged base first): chr21-45509489-TGCCCGA-T. GRCh37 (hg19) VCF-style: chr21-46929403-TGCCCGA-T.
Other names: c.3919_3924del, p.Glu1307_Pro1308del (NM_030582.4); c.4624_4629del, p.Glu1542_Pro1543del (NM_130444.3).
Identifiers: ClinVar variation 1419065 (VCV001419065.6), dbSNP rs761460663, ClinGen allele CA10067874.
Genomic context (GRCh38, chr21:45,509,489, plus strand): 5'-ACCCCCACCCCACCGCGCGGCCCTGGCGGGCAGATGACATCCTGGCCAGCCCCCCTCGCC[TGCCCGA>T]GCCCCAGCCCTACCCCGGAGCCCCGCACCACAGCTCCTACGTGCACCTGCGGCCGGCGCG-3'

ClinVar aggregate classification (germline): Uncertain significance (1 of 4 stars; one submission).

Submission:

Labcorp Genetics (formerly Invitae), Labcorp
Classification: Uncertain significance. Last evaluated: 2026-01-26. Review status: criteria provided, single submitter. Criteria: Invitae Variant Classification Sherloc (09022015). Collection method: clinical testing. Allele origin: germline.
Comment: This variant, c.3379_3384del, results in the deletion of 2 amino acid(s) of the COL18A1 protein (p.Glu1127_Pro1128del), but otherwise preserves the integrity of the reading frame. The frequency data for this variant in the population databases is considered unreliable, as metrics indicate poor data quality at this position in the gnomAD database. This variant has not been reported in the literature in individuals affected with COL18A1-related conditions. ClinVar contains an entry for this variant (Variation ID: 1419065). Experimental studies and prediction algorithms are not available or were not evaluated, and the functional significance of this variant is currently unknown. In summary, the available evidence is currently insufficient to determine the role of this variant in disease. Therefore, it has been classified as a Variant of Uncertain Significance.